The following is an entry in ClinVar:

ClinVar aggregate classification (germline): Conflicting classifications of pathogenicity. Review status: criteria provided, conflicting classifications (1 of 4 stars). 4 submissions from 4 submitters: Uncertain significance (3); Likely benign (1). Last evaluated 2024-02-22.

Conditions:
Tuberous sclerosis syndrome (TSC). Also called: Tuberous Sclerosis Complex; Tuberous sclerosis. Identifiers: Orphanet 805, MedGen C0041341, MONDO:0001734.
Tuberous sclerosis 2 (TSC2). Identifiers: Orphanet 805, MedGen C1860707, MONDO:0013199, OMIM 613254.
Hereditary cancer-predisposing syndrome. Also called: Neoplastic Syndromes, Hereditary; Hereditary neoplastic syndrome; Tumor predisposition; Hereditary Cancer Syndrome. Identifiers: Orphanet 140162, MedGen C0027672, MeSH D009386, MONDO:0015356.

Allele frequency attached by ClinVar (database versions not stated): TOPMed 0.00001.
gnomAD v4.1: 1 of 1,612,532 alleles (0.000062%); highest among the groups gnomAD compares: African/African-American, 0.0013%; no homozygotes.

Submissions (4):

All of Us Research Program, National Institutes of Health
Classification: Uncertain significance for Tuberous sclerosis syndrome. Last evaluated: 2024-02-22. Review status: criteria provided, single submitter. Criteria: ACMG Guidelines, 2015. Collection method: clinical testing. Allele origin: germline. Inheritance: Autosomal dominant inheritance. Observed: 1 variant allele, 1 heterozygote.
Comment: This variant is located in the TSC2 protein. To our knowledge, functional studies have not been reported for this variant. This variant has not been reported in individuals affected with TSC2-related disorders in the literature. This variant has been identified in 1/31396 chromosomes in the general population by the Genome Aggregation Database (gnomAD). The available evidence is insufficient to determine the role of this variant in disease conclusively. Therefore, this variant is classified as a Variant of Uncertain Significance.

This study involves interpretation of variants in research participants for the purpose of population health screening. Participant phenotype was not available at the time of variant classification. Additional details can be found in publication PMID: 35346344, PMCID: PMC8962531

GeneDx
Classification: Uncertain significance. Last evaluated: 2022-11-03. Review status: criteria provided, single submitter. Criteria: GeneDx Variant Classification Process June 2021. Collection method: clinical testing. Allele origin: germline. Affected: yes.
Comment: In silico analysis supports a deleterious effect on splicing; Has not been previously published as pathogenic or benign to our knowledge

Labcorp Genetics (formerly Invitae), Labcorp
Classification: Uncertain significance for Tuberous sclerosis 2. Last evaluated: 2022-04-12. Review status: criteria provided, single submitter. Criteria: Invitae Variant Classification Sherloc (09022015). Collection method: clinical testing. Allele origin: germline.
Comment: Algorithms developed to predict the effect of sequence changes on RNA splicing suggest that this variant may create or strengthen a splice site. ClinVar contains an entry for this variant (Variation ID: 834532). This variant has not been reported in the literature in individuals affected with TSC2-related conditions. The frequency data for this variant in the population databases is considered unreliable, as metrics indicate poor data quality at this position in the gnomAD database. This sequence change affects codon 1553 of the TSC2 mRNA. It is a 'silent' change, meaning that it does not change the encoded amino acid sequence of the TSC2 protein. In summary, the available evidence is currently insufficient to determine the role of this variant in disease. Therefore, it has been classified as a Variant of Uncertain Significance.

Ambry Genetics
Classification: Likely benign for Hereditary cancer-predisposing syndrome. Last evaluated: 2020-07-27. Review status: criteria provided, single submitter. Criteria: Ambry Variant Classification Scheme 2023. Collection method: clinical testing. Allele origin: germline.

NM_000548.5(TSC2):c.4659C>T (p.Gly1553=)

Gene: TSC2 (TSC complex subunit 2; plus strand). Cytogenetic location: 16p13.3.
Variant type: single nucleotide variant.
Coding change: c.4659C>T on transcript NM_000548.5 (MANE Select); coding-DNA position 4659, C replaced by T.
Protein change: p.Gly1553=; no amino-acid change (glycine 1553 retained).
Molecular consequence: synonymous variant.
Genome position (GRCh38, 1-based): chr16:2,085,319, C>T. VCF-style: chr16-2085319-C-T. GRCh37 (hg19) VCF-style: chr16-2135320-C-T.
Other names: c.4458C>T, p.Gly1486= (NM_001077183.3); c.4590C>T, p.Gly1530= (NM_001114382.3); c.4350C>T, p.Gly1450= (NM_001318827.2); c.4314C>T, p.Gly1438= (NM_001318829.2); c.3927C>T, p.Gly1309= (NM_001318831.2); c.4491C>T, p.Gly1497= (NM_001318832.2); c.4461C>T, p.Gly1487= (NM_001363528.2); c.4527C>T, p.Gly1509= (NM_001370404.1); and 1 more.
Identifiers: ClinVar variation 834532 (VCV000834532.13), dbSNP rs202212109, ClinGen allele CA276755061.